The following is an entry in ClinVar:

ClinVar aggregate classification (germline): Pathogenic (1 of 4 stars; one submission).

Submission:

CeGaT Center for Human Genetics Tuebingen
Classification: Pathogenic. Last evaluated: 2026-09-01. Review status: criteria provided, single submitter. Criteria: CeGaT Center For Human Genetics Tuebingen Variant Classification Criteria Version 2. Collection method: clinical testing. Allele origin: germline. Affected: yes. Observed: 1 variant allele.
Comment: CRB2: PVS1, PM2, PM3

NM_173689.7(CRB2):c.3086_3096dup (p.Ala1033fs)

Gene: CRB2 (crumbs cell polarity complex component 2; plus strand). Cytogenetic location: 9q33.3.
Variant type: Duplication.
Coding change: c.3086_3096dup on transcript NM_173689.7 (MANE Select); coding-DNA positions 3086 to 3096, 11 bases duplicated (CCCGGCCCGGC).
Protein change: p.Ala1033fs; shifts the reading frame from alanine 1033.
Molecular consequence: frameshift variant. On other transcripts: non-coding transcript variant (1).
Genome position (GRCh38, 1-based): chr9:123,373,617-123,373,627, CCCGGCCCGGC duplicated; duplicating any 11 consecutive bases within chr9:123,373,613-123,373,627 gives the same sequence; the c. name uses the placement nearest the transcript's 3' end. VCF-style (leftmost placement, unchanged base first): chr9-123373612-G-GCGGCCCCGGCC. GRCh37 (hg19) VCF-style: chr9-126135891-G-GCGGCCCCGGCC.
Other names: short protein forms A1033fs.
Identifiers: ClinVar variation 5041868 (VCV005041868.1).